The following is an entry in ClinVar:

NM_005159.5(ACTC1):c.366T>C (p.Thr122=)

Genes: ACTC1 (actin alpha cardiac muscle 1; minus strand), GJD2-DT (GJD2 divergent transcript; plus strand). Cytogenetic location: 15q14.
Variant type: single nucleotide variant.
Coding change: c.366T>C on transcript NM_005159.5 (MANE Select); coding-DNA position 366, T replaced by C.
Protein change: p.Thr122=; no amino-acid change (threonine 122 retained).
Molecular consequence: synonymous variant.
Genome position (GRCh38, 1-based): chr15:34,793,333, A>G on the plus strand (T>C on the coding strand, the complement: ACTC1 is on the minus strand). VCF-style: chr15-34793333-A-G. GRCh37 (hg19) VCF-style: chr15-35085534-A-G.
Identifiers: ClinVar variation 1332439 (VCV001332439.3), dbSNP rs1595761353, ClinGen allele CA489655709.

ClinVar aggregate classification (germline): Likely benign. Review status: criteria provided, multiple submitters, no conflicts (2 of 4 stars). 2 submissions from 2 submitters: Likely benign (2). Last evaluated 2026-08-01.

Conditions:
Cardiomyopathy (CMYO). Also called: Cardiomyopathies. Identifiers: Orphanet 167848, MedGen C0878544, MONDO:0004994, HP:0001638. Inheritance: Various modes of inheritance.

Submissions (2):

CeGaT Center for Human Genetics Tuebingen
Classification: Likely benign. Last evaluated: 2026-08-01. Review status: criteria provided, single submitter. Criteria: CeGaT Center For Human Genetics Tuebingen Variant Classification Criteria Version 2. Collection method: clinical testing. Allele origin: germline. Affected: yes. Observed: 1 variant allele.
Comment: ACTC1: PM2:Supporting, BP4, BP7

Color Diagnostics, LLC DBA Color Health
Classification: Likely benign for Cardiomyopathy. Last evaluated: 2021-08-09. Review status: criteria provided, single submitter. Criteria: ACMG Guidelines, 2015. Collection method: clinical testing. Allele origin: germline.